The following is an entry in ClinVar:

NM_006031.6(PCNT):c.5253C>T (p.His1751=)

Gene: PCNT (pericentrin; plus strand). Cytogenetic location: 21q22.3.
Variant type: single nucleotide variant.
Coding change: c.5253C>T on transcript NM_006031.6 (MANE Select); coding-DNA position 5253, C replaced by T.
Protein change: p.His1751=; no amino-acid change (histidine 1751 retained).
Molecular consequence: synonymous variant.
Genome position (GRCh38, 1-based): chr21:46,411,326, C>T. VCF-style: chr21-46411326-C-T. GRCh37 (hg19) VCF-style: chr21-47831240-C-T.
Other names: c.5253C>T (NM_006031.5); c.4899C>T, p.His1633= (NM_001315529.2).
Identifiers: ClinVar variation 1580916 (VCV001580916.9), dbSNP rs114799541, ClinGen allele CA10079929.

ClinVar aggregate classification (germline): Likely benign. Review status: criteria provided, single submitter (1 of 4 stars). 2 submissions from 2 submitters: Likely benign (1). 1 of the submissions does not count toward it. Last evaluated 2024-02-09.

Conditions:
PCNT-related disorder. Also called: PCNT-related condition.

gnomAD v4.1: 30 of 1,614,084 alleles (0.0019%); highest among the groups gnomAD compares: African/African-American, 0.025%; no homozygotes.

Submissions (2):

Labcorp Genetics (formerly Invitae), Labcorp
Classification: Likely benign. Last evaluated: 2024-02-09. Review status: criteria provided, single submitter. Criteria: Invitae Variant Classification Sherloc (09022015). Collection method: clinical testing. Allele origin: germline.

PreventionGenetics, part of Exact Sciences
Classification: Likely benign for PCNT-related condition. Last evaluated: 2021-09-27. Review status: no assertion criteria provided. Collection method: clinical testing. Allele origin: germline. Not counted in ClinVar's aggregate classification.
Comment: This variant is classified as likely benign based on ACMG/AMP sequence variant interpretation guidelines (Richards et al. 2015 PMID: 25741868, with internal and published modifications).